The following is an entry in ClinVar:

ClinVar aggregate classification (germline): Uncertain significance (1 of 4 stars; one submission).

Conditions:
Progressive myoclonic epilepsy type 9. Identifiers: Orphanet 457265, MedGen C4225289, MONDO:0014685, OMIM 616540.
Lipodystrophy, partial, acquired, susceptibility to (APLD). Also called: APLD, SUSCEPTIBILITY TO. Identifiers: MedGen C3887501, MONDO:0100476, OMIM 608709.

Submission:

Labcorp Genetics (formerly Invitae), Labcorp
Classification: Uncertain significance for Progressive myoclonic epilepsy type 9; Lipodystrophy, partial, acquired, susceptibility to. Last evaluated: 2023-08-14. Review status: criteria provided, single submitter. Criteria: Invitae Variant Classification Sherloc (09022015). Collection method: clinical testing. Allele origin: germline.
Comment: In summary, the available evidence is currently insufficient to determine the role of this variant in disease. Therefore, it has been classified as a Variant of Uncertain Significance. Advanced modeling of protein sequence and biophysical properties (such as structural, functional, and spatial information, amino acid conservation, physicochemical variation, residue mobility, and thermodynamic stability) performed at Invitae indicates that this missense variant is expected to disrupt LMNB2 protein function. This variant has not been reported in the literature in individuals affected with LMNB2-related conditions. This variant is not present in population databases (gnomAD no frequency). This sequence change replaces glycine, which is neutral and non-polar, with aspartic acid, which is acidic and polar, at codon 91 of the LMNB2 protein (p.Gly91Asp).

NM_032737.4(LMNB2):c.272G>A (p.Gly91Asp)

Gene: LMNB2 (lamin B2; minus strand). Cytogenetic location: 19p13.3.
Variant type: single nucleotide variant.
Coding change: c.272G>A on transcript NM_032737.4 (MANE Select); coding-DNA position 272, G replaced by A.
Protein change: p.Gly91Asp; replaces glycine 91 with aspartic acid.
Molecular consequence: missense variant.
Genome position (GRCh38, 1-based): chr19:2,444,533, C>T on the plus strand (G>A on the coding strand, the complement: LMNB2 is on the minus strand). VCF-style: chr19-2444533-C-T. GRCh37 (hg19) VCF-style: chr19-2444531-C-T.
Other names: short protein forms G91D.
Identifiers: ClinVar variation 2938801 (VCV002938801.3), dbSNP rs2512242061, ClinGen allele CA403259579.
Genomic context (GRCh38, chr19:2,444,533, plus strand): 5'-GCCGTCTCATCCAGGACTCTCCGGGCATCGGCCAGCTCCGACTCGTACAGCGCCTTGATG[C>T]CACTCACCTGGGGAGACCCAGGACAGGGTGAAGCGAGAGGGACCCTTCCCCTTGGACTAC-3'
Protein context (NP_116126.3, residues 81-101): KEEVTTREVS[Gly91Asp]IKALYESELA